The following is an entry in ClinVar:

NM_018699.4(PRDM5):c.360G>T (p.Leu120=)

Gene: PRDM5 (PR/SET domain 5; minus strand). Cytogenetic location: 4q27.
Variant type: single nucleotide variant.
Coding change: c.360G>T on transcript NM_018699.4 (MANE Select); coding-DNA position 360, G replaced by T.
Protein change: p.Leu120=; no amino-acid change (leucine 120 retained).
Molecular consequence: synonymous variant.
Genome position (GRCh38, 1-based): chr4:120,821,286, C>A on the plus strand (G>T on the coding strand, the complement: PRDM5 is on the minus strand). VCF-style: chr4-120821286-C-A. GRCh37 (hg19) VCF-style: chr4-121742441-C-A.
Other names: c.360G>T, p.Leu120= (NM_001300823.2, NM_001300824.2, NM_001379104.1 and 1 more transcripts).
Identifiers: ClinVar variation 514322 (VCV000514322.6), dbSNP rs751789550, ClinGen allele CA3061410.

ClinVar aggregate classification (germline): Likely benign. Review status: criteria provided, multiple submitters, no conflicts (2 of 4 stars). 3 submissions from 3 submitters: Likely benign (3). Last evaluated 2023-09-19.

Conditions:
Cardiovascular phenotype. Identifiers: MedGen CN230736.

Allele frequency attached by ClinVar (database versions not stated): TOPMed 0.00001; gnomAD 0.00002.
gnomAD v4.1: 4 of 1,613,952 alleles (0.00025%); highest among the groups gnomAD compares: African/African-American, 0.004%; no homozygotes.

Submissions (3):

Labcorp Genetics (formerly Invitae), Labcorp
Classification: Likely benign. Last evaluated: 2023-09-19. Review status: criteria provided, single submitter. Criteria: Invitae Variant Classification Sherloc (09022015). Collection method: clinical testing. Allele origin: germline.

Ambry Genetics
Classification: Likely benign for Cardiovascular phenotype. Last evaluated: 2021-11-04. Review status: criteria provided, single submitter. Criteria: Ambry Variant Classification Scheme 2023. Collection method: clinical testing. Allele origin: germline.

GeneDx
Classification: Likely benign. Last evaluated: 2017-12-29. Review status: criteria provided, single submitter. Criteria: GeneDx Variant Classification (06012015). Collection method: clinical testing. Allele origin: germline. Affected: yes.
Comment: This variant is considered likely benign or benign based on one or more of the following criteria: it is a conservative change, it occurs at a poorly conserved position in the protein, it is predicted to be benign by multiple in silico algorithms, and/or has population frequency not consistent with disease.